The following is an entry in ClinVar:

NM_052876.4(NACC1):c.997C>T (p.Arg333Cys)

Gene: NACC1 (nucleus accumbens associated 1; plus strand). Cytogenetic location: 19p13.13.
Variant type: single nucleotide variant.
Coding change: c.997C>T on transcript NM_052876.4 (MANE Select); coding-DNA position 997, C replaced by T.
Protein change: p.Arg333Cys; replaces arginine 333 with cysteine.
Molecular consequence: missense variant.
Genome position (GRCh38, 1-based): chr19:13,136,282, C>T. VCF-style: chr19-13136282-C-T. GRCh37 (hg19) VCF-style: chr19-13247096-C-T.
Other names: short protein forms R333C.
Identifiers: ClinVar variation 2718866 (VCV002718866.3), dbSNP rs757493991, ClinGen allele CA9238387.
Genomic context (GRCh38, chr19:13,136,282, plus strand): 5'-CTCCCTGCAGCCGAGAAGGTGGAGGCCCTCCCGGAGCAGGTAGCCCCCGAGTCCCGAAAT[C>T]GCATCCGGGTTCGGCAAGACCTGGCGTCTCTCCCGGCTGAACTTATCAACCAGATTGGGA-3'
Protein context (NP_443108.1, residues 323-343): PEQVAPESRN[Arg333Cys]IRVRQDLASL

ClinVar aggregate classification (germline): Uncertain significance (1 of 4 stars; one submission).

Allele frequency attached by ClinVar (database versions not stated): TOPMed below 0.00001; ExAC 0.00001; gnomAD 0.00001.

Submission:

Labcorp Genetics (formerly Invitae), Labcorp
Classification: Uncertain significance. Last evaluated: 2023-06-18. Review status: criteria provided, single submitter. Criteria: Invitae Variant Classification Sherloc (09022015). Collection method: clinical testing. Allele origin: germline.
Comment: This sequence change replaces arginine, which is basic and polar, with cysteine, which is neutral and slightly polar, at codon 333 of the NACC1 protein (p.Arg333Cys). This variant is present in population databases (rs757493991, gnomAD 0.003%). This variant has not been reported in the literature in individuals affected with NACC1-related conditions. Advanced modeling of protein sequence and biophysical properties (such as structural, functional, and spatial information, amino acid conservation, physicochemical variation, residue mobility, and thermodynamic stability) performed at Invitae indicates that this missense variant is not expected to disrupt NACC1 protein function. In summary, the available evidence is currently insufficient to determine the role of this variant in disease. Therefore, it has been classified as a Variant of Uncertain Significance.